The following is an entry in ClinVar:

ClinVar aggregate classification (germline): Likely benign (1 of 4 stars; one submission).

Conditions:
Retinoblastoma (RB1). Also called: RETINOBLASTOMA, SOMATIC. Identifiers: Orphanet 790, MedGen C0035335, MeSH D012175, MONDO:0008380, OMIM 180200, HP:0009919. Disease mechanism: loss of function. Inheritance: Both sporadic and heritable forms are tested..

Submission:

Myriad Genetics, Inc.
Classification: Likely benign for Retinoblastoma. Last evaluated: 2026-06-18. Review status: criteria provided, single submitter. Criteria: Myriad Autosomal Dominant, Autosomal Recessive and X-Linked Classification Criteria (2023). Collection method: clinical testing. Allele origin: unknown.
Comment: This variant is considered likely benign. This variant is intronic and is not expected to impact mRNA splicing.

NM_000321.3(RB1):c.501-4del

Gene: RB1 (RB transcriptional corepressor 1; plus strand). Cytogenetic location: 13q14.2.
Variant type: Deletion.
Coding change: c.501-4del on transcript NM_000321.3 (MANE Select); 4 bases into the intron before coding-DNA position 501, one base deleted (T; older notation c.501-4delT).
Molecular consequence: intron variant.
Genome position (GRCh38, 1-based): chr13:48,347,821, T deleted; the last of 4 consecutive T bases (chr13:48,347,818-48,347,821); deleting any one gives the same sequence. VCF-style (leftmost placement, unchanged base first): chr13-48347817-CT-C. GRCh37 (hg19) VCF-style: chr13-48921953-CT-C.
Other names: c.501-4del (NM_001407165.1, NM_001407166.1).
Identifiers: ClinVar variation 4875894 (VCV004875894.1).